The following is an entry in ClinVar:

NM_001042492.3(NF1):c.5087del (p.Leu1696fs)

Gene: NF1 (neurofibromin 1; plus strand). Cytogenetic location: 17q11.2.
Variant type: Deletion.
Coding change: c.5087del on transcript NM_001042492.3 (MANE Select); coding-DNA position 5087, one base deleted (T; older notation c.5087delT).
Protein change: p.Leu1696fs; shifts the reading frame from leucine 1696.
Molecular consequence: frameshift variant.
Genome position (GRCh38, 1-based): chr17:31,326,071, T deleted. VCF-style (leftmost placement, unchanged base first): chr17-31326070-CT-C. GRCh37 (hg19) VCF-style: chr17-29653088-CT-C.
Other names: c.5024delT (NM_000267.3); c.5024delT, p.Leu1675Argfs (NM_000267.4); short protein forms L1696fs, L1675fs.
Identifiers: ClinVar variation 488453 (VCV000488453.3), dbSNP rs1555533368, ClinGen allele CA658684011.

ClinVar aggregate classification (germline): Pathogenic. Review status: criteria provided, single submitter (1 of 4 stars). 2 submissions from 2 submitters: Pathogenic (1). 1 of the submissions does not count toward it. Last evaluated 2020-05-05.

Conditions:
Cardiovascular phenotype. Identifiers: MedGen CN230736.
Hereditary cancer-predisposing syndrome. Also called: Tumor predisposition; Neoplastic Syndromes, Hereditary; Hereditary Cancer Syndrome; Hereditary neoplastic syndrome. Identifiers: Orphanet 140162, MedGen C0027672, MeSH D009386, MONDO:0015356.
Neurofibromatosis, type 1 (NF1). Also called: NEUROFIBROMATOSIS, TYPE I, SOMATIC; VON RECKLINGHAUSEN DISEASE; Neurofibromatosis, type I; Peripheral type neurofibromatosis. Identifiers: Orphanet 636, MedGen C0027831, MONDO:0018975, OMIM 162200. Disease mechanism: loss of function.

Submissions (2):

Ambry Genetics
Classification: Pathogenic for Cardiovascular phenotype; Hereditary cancer-predisposing syndrome. Last evaluated: 2020-05-05. Review status: criteria provided, single submitter. Criteria: Ambry Variant Classification Scheme 2023. Collection method: clinical testing. Allele origin: germline.
Comment: The c.5024delT variant, located in coding exon 36 of the NF1 gene, results from a deletion of one nucleotide at nucleotide position 5024, causing a translational frameshift with a predicted alternate stop codon (p.L1675Rfs*2). This alteration is expected to result in loss of function by premature protein truncation or nonsense-mediated mRNA decay. As such, this alteration is interpreted as a disease-causing mutation.

Molecular Genetics Laboratory, BC Children's and BC Women's Hospitals
Classification: Pathogenic for Neurofibromatosis, type 1. Last evaluated: 2017-06-26. Review status: no assertion criteria provided. Criteria: ACMG Guidelines, 2015. Collection method: clinical testing. Allele origin: de novo. Affected: yes. Not counted in ClinVar's aggregate classification.